The following is an entry in ClinVar:

NM_001291303.3(FAT4):c.8968T>G (p.Tyr2990Asp)

Gene: FAT4 (FAT atypical cadherin 4; plus strand). Cytogenetic location: 4q28.1.
Variant type: single nucleotide variant.
Coding change: c.8968T>G on transcript NM_001291303.3 (MANE Select); coding-DNA position 8968, T replaced by G.
Protein change: p.Tyr2990Asp; replaces tyrosine 2990 with aspartic acid.
Molecular consequence: missense variant.
Genome position (GRCh38, 1-based): chr4:125,449,978, T>G. VCF-style: chr4-125449978-T-G. GRCh37 (hg19) VCF-style: chr4-126371133-T-G.
Other names: c.8968T>G, p.Tyr2990Asp (NM_001291285.3); c.8962T>G, p.Tyr2988Asp (NM_024582.6); c.8962T>G (NM_024582.5); short protein forms Y2988D, Y2990D.
Identifiers: ClinVar variation 3011555 (VCV003011555.4), dbSNP rs2530900205, ClinGen allele CA358148632.
Genomic context (GRCh38, chr4:125,449,978, plus strand): 5'-ACAGTTACCATCAATATAGTGGACAGTAATGACAATGCACCTCAATTTCTTAAAAGTAAA[T>G]ATTTCACTCCAGTCACCAAAAATGTTAAGGTTGGTACGAAGTTAATCAGAGTTACAGCAA-3'
Protein context (NP_001278232.1, residues 2980-3000): DNAPQFLKSK[Tyr2990Asp]FTPVTKNVKV

ClinVar aggregate classification (germline): Uncertain significance. Review status: criteria provided, multiple submitters, no conflicts (2 of 4 stars). 2 submissions from 2 submitters: Uncertain significance (2). Last evaluated 2023-12-27.

Conditions:
Van Maldergem syndrome 2 (VMLDS2). Identifiers: Orphanet 314679, MedGen C3809875, MONDO:0014242, OMIM 615546.
Hennekam lymphangiectasia-lymphedema syndrome 2 (HKLLS2). Identifiers: Orphanet 2136, MedGen C4014939, MONDO:0014454, OMIM 616006.

Allele frequency attached by ClinVar (database versions not stated): gnomAD exomes below 0.00001.
gnomAD v4.1: 2 of 1,613,782 alleles (0.00012%); highest among the groups gnomAD compares: Non-Finnish European, 0.00017%; no homozygotes.

Submissions (2):

Fulgent Genetics
Classification: Uncertain significance for Van Maldergem syndrome 2; Hennekam lymphangiectasia-lymphedema syndrome 2. Last evaluated: 2023-12-27. Review status: criteria provided, single submitter. Criteria: ACMG Guidelines, 2015. Collection method: clinical testing. Allele origin: germline.

Labcorp Genetics (formerly Invitae), Labcorp
Classification: Uncertain significance. Last evaluated: 2023-06-15. Review status: criteria provided, single submitter. Criteria: Invitae Variant Classification Sherloc (09022015). Collection method: clinical testing. Allele origin: germline.
Comment: This variant has not been reported in the literature in individuals affected with FAT4-related conditions. This sequence change replaces tyrosine, which is neutral and polar, with aspartic acid, which is acidic and polar, at codon 2988 of the FAT4 protein (p.Tyr2988Asp). This variant is not present in population databases (gnomAD no frequency). Advanced modeling of protein sequence and biophysical properties (such as structural, functional, and spatial information, amino acid conservation, physicochemical variation, residue mobility, and thermodynamic stability) performed at Invitae indicates that this missense variant is not expected to disrupt FAT4 protein function. In summary, the available evidence is currently insufficient to determine the role of this variant in disease. Therefore, it has been classified as a Variant of Uncertain Significance.